The following is an entry in ClinVar:

ClinVar aggregate classification (germline): Uncertain significance (1 of 4 stars; one submission).

Conditions:
Joubert syndrome. Also called: JOUBERT-BOLTSHAUSER SYNDROME; Familial aplasia of the vermis. Identifiers: Orphanet 475, MedGen C5979921, MONDO:0018772.
Meckel-Gruber syndrome. Also called: Dysencephalia splachnocystica; DYSENCEPHALIA SPLANCHNOCYSTICA; GRUBER SYNDROME. Identifiers: Orphanet 564, MedGen C0265215, MONDO:0018921.

Submission:

Labcorp Genetics (formerly Invitae), Labcorp
Classification: Uncertain significance for Joubert syndrome; Meckel-Gruber syndrome. Last evaluated: 2022-04-29. Review status: criteria provided, single submitter. Criteria: Invitae Variant Classification Sherloc (09022015). Collection method: clinical testing. Allele origin: germline.
Comment: This variant, c.3707_3709dup, results in the insertion of 1 amino acid(s) of the CC2D2A protein (p.Ser1236dup), but otherwise preserves the integrity of the reading frame. This variant is not present in population databases (gnomAD no frequency). This variant has not been reported in the literature in individuals affected with CC2D2A-related conditions. ClinVar contains an entry for this variant (Variation ID: 1016128). Experimental studies and prediction algorithms are not available or were not evaluated, and the functional significance of this variant is currently unknown. In summary, the available evidence is currently insufficient to determine the role of this variant in disease. Therefore, it has been classified as a Variant of Uncertain Significance.

NM_001378615.1(CC2D2A):c.3707_3709dup (p.Ser1236dup)

Genes: CC2D2A (coiled-coil and C2 domain containing 2A; plus strand), FBXL5 (F-box and leucine rich repeat protein 5; minus strand). Cytogenetic location: 4p15.32.
Variant type: Duplication.
Coding change: c.3707_3709dup on transcript NM_001378615.1 (MANE Select); coding-DNA positions 3707 to 3709, 3 bases duplicated (CCT; older notation c.3707_3709dupCCT).
Protein change: p.Ser1236dup; duplicates serine 1236.
Molecular consequence: inframe insertion.
Genome position (GRCh38, 1-based): chr4:15,574,262-15,574,264, CCT duplicated; duplicating any 3 consecutive bases within chr4:15,574,260-15,574,264 gives the same sequence; the c. name uses the placement nearest the transcript's 3' end. VCF-style (leftmost placement, unchanged base first): chr4-15574259-G-GCTC. GRCh37 (hg19) VCF-style: chr4-15575882-G-GCTC.
Other names: c.3707_3709dup, p.Ser1236dup (NM_001080522.2); c.3560_3562dup, p.Ser1187dup (NM_001378617.1).
Identifiers: ClinVar variation 1016128 (VCV001016128.6), dbSNP rs1720298896, ClinGen allele CA1440675449.